The following is an entry in ClinVar:

ClinVar aggregate classification (germline): Uncertain significance (1 of 4 stars; one submission).

Conditions:
Brown-Vialetto-van Laere syndrome 1. Also called: BROWN-VIALETTO-VAN LAERE SYNDROME 1, MILD; BULBAR PALSY, PROGRESSIVE, WITH SENSORINEURAL DEAFNESS; PONTOBULBAR PALSY WITH DEAFNESS. Identifiers: Orphanet 572550, Orphanet 97229, MedGen C0796274, MONDO:0024537, OMIM 211530.

Allele frequency attached by ClinVar (database versions not stated): gnomAD exomes below 0.00001.

Submission:

Labcorp Genetics (formerly Invitae), Labcorp
Classification: Uncertain significance for Brown-Vialetto-van Laere syndrome 1. Last evaluated: 2022-06-20. Review status: criteria provided, single submitter. Criteria: Invitae Variant Classification Sherloc (09022015). Collection method: clinical testing. Allele origin: germline.
Comment: This sequence change replaces proline, which is neutral and non-polar, with leucine, which is neutral and non-polar, at codon 387 of the SLC52A3 protein (p.Pro387Leu). This variant is present in population databases (no rsID available, gnomAD 0.0009%). This variant has not been reported in the literature in individuals affected with SLC52A3-related conditions. ClinVar contains an entry for this variant (Variation ID: 642968). Advanced modeling of protein sequence and biophysical properties (such as structural, functional, and spatial information, amino acid conservation, physicochemical variation, residue mobility, and thermodynamic stability) performed at Invitae indicates that this missense variant is expected to disrupt SLC52A3 protein function. In summary, the available evidence is currently insufficient to determine the role of this variant in disease. Therefore, it has been classified as a Variant of Uncertain Significance.

NM_033409.4(SLC52A3):c.1160C>T (p.Pro387Leu)

Gene: SLC52A3 (solute carrier family 52 member 3; minus strand). Cytogenetic location: 20p13.
Variant type: single nucleotide variant.
Coding change: c.1160C>T on transcript NM_033409.4 (MANE Select); coding-DNA position 1160, C replaced by T.
Protein change: p.Pro387Leu; replaces proline 387 with leucine.
Molecular consequence: missense variant.
Genome position (GRCh38, 1-based): chr20:761,738, G>A on the plus strand (C>T on the coding strand, the complement: SLC52A3 is on the minus strand). VCF-style: chr20-761738-G-A. GRCh37 (hg19) VCF-style: chr20-742382-G-A.
Other names: c.1160C>T, p.Pro387Leu (NM_001370085.1, NM_001370086.1); short protein forms P387L.
Identifiers: ClinVar variation 642968 (VCV000642968.3), dbSNP rs1164187566, ClinGen allele CA407962313.